The following is an entry in ClinVar:

ClinVar aggregate classification (germline): Uncertain significance (1 of 4 stars; one submission).

Conditions:
Long QT syndrome (LQTS). Identifiers: MedGen C0023976, MeSH D008133, MONDO:0002442. Disease mechanism: loss of function. Inheritance: Various modes of inheritance.

Submission:

Labcorp Genetics (formerly Invitae), Labcorp
Classification: Uncertain significance for Long QT syndrome. Last evaluated: 2023-02-02. Review status: criteria provided, single submitter. Criteria: Invitae Variant Classification Sherloc (09022015). Collection method: clinical testing. Allele origin: germline.
Comment: This variant has not been reported in the literature in individuals affected with ANK2-related conditions. Algorithms developed to predict the effect of missense changes on protein structure and function are either unavailable or do not agree on the potential impact of this missense change (SIFT: "Deleterious"; PolyPhen-2: "Benign"; Align-GVGD: "Class C0"). In summary, the available evidence is currently insufficient to determine the role of this variant in disease. Therefore, it has been classified as a Variant of Uncertain Significance. This variant is not present in population databases (gnomAD no frequency). This sequence change replaces glutamic acid, which is acidic and polar, with valine, which is neutral and non-polar, at codon 3327 of the ANK2 protein (p.Glu3327Val).

NM_001148.6(ANK2):c.9980A>T (p.Glu3327Val)

Gene: ANK2 (ankyrin 2; plus strand). Cytogenetic location: 4q26.
Variant type: single nucleotide variant.
Coding change: c.9980A>T on transcript NM_001148.6 (MANE Select); coding-DNA position 9980, A replaced by T.
Protein change: p.Glu3327Val; replaces glutamic acid 3327 with valine.
Molecular consequence: missense variant. On other transcripts: intron variant (68).
Genome position (GRCh38, 1-based): chr4:113,358,598, A>T. VCF-style: chr4-113358598-A-T. GRCh37 (hg19) VCF-style: chr4-114279754-A-T.
Other names: c.4193-2225A>T (NM_001354274.2, NM_001386154.1); c.4142-2225A>T (NM_001386151.1, NM_001354260.2, NM_001354271.2); c.4043-2225A>T (NM_001386157.1, NM_001354277.2); c.4361-2225A>T (NM_001386161.1, NM_001354244.2, NM_001354256.2); c.4286-2225A>T (NM_001354261.2); c.4166-2225A>T (NM_001386156.1, NM_001354257.2); c.4262-2225A>T (NM_001354264.2); c.4241-2225A>T (NM_001354267.2, NM_001386162.1, NM_001354266.2 and 2 more transcripts); and 35 more; short protein forms E2127V, E3327V, E3374V, E3249V, E3366V.
Identifiers: ClinVar variation 2977001 (VCV002977001.3), dbSNP rs2506009102, ClinGen allele CA357939414.